The following is an entry in ClinVar:

ClinVar aggregate classification (germline): Conflicting classifications of pathogenicity. Review status: criteria provided, conflicting classifications (1 of 4 stars). 5 submissions from 5 submitters: Uncertain significance (4); Likely benign (1). Last evaluated 2019-07-10.

Conditions:
Autosomal recessive limb-girdle muscular dystrophy type 2J (LGMDR10). Also called: Limb-girdle muscular dystrophy, type 2J; MUSCULAR DYSTROPHY, LIMB-GIRDLE, AUTOSOMAL RECESSIVE 10. Identifiers: Orphanet 140922, MedGen C1837342, MONDO:0012127, OMIM 608807.
Dilated cardiomyopathy 1G (CMD1G). Identifiers: Orphanet 154, MedGen C1858763, MONDO:0011400, OMIM 604145.
Cardiovascular phenotype. Identifiers: MedGen CN230736.

Allele frequency attached by ClinVar (database versions not stated): ExAC 0.00003; gnomAD 0.00003 and 0.00004; gnomAD exomes 0.00004; TOPMed 0.00005; ESP Exome Variant Server 0.00008.
gnomAD v4.1: 60 of 1,613,502 alleles (0.0037%); highest among the groups gnomAD compares: Admixed American, 0.005%; no homozygotes.

Submissions (5):

Revvity Omics, Revvity
Classification: Uncertain significance. Last evaluated: 2019-07-10. Review status: criteria provided, single submitter. Criteria: ACMG Guidelines, 2015. Collection method: clinical testing. Allele origin: germline.

Labcorp Genetics (formerly Invitae), Labcorp
Classification: Uncertain significance for Dilated cardiomyopathy 1G; Autosomal recessive limb-girdle muscular dystrophy type 2J. Last evaluated: 2017-12-11. Review status: criteria provided, single submitter. Criteria: Invitae Variant Classification Sherloc (09022015). Collection method: clinical testing. Allele origin: germline.

Eurofins Ntd Llc (ga)
Classification: Uncertain significance. Last evaluated: 2017-01-03. Review status: criteria provided, single submitter. Criteria: EGL Classification Definitions 2015. Collection method: clinical testing. Allele origin: germline. Observed: 2 variant alleles, 1 heterozygote.

Laboratory for Molecular Medicine, Mass General Brigham Personalized Medicine
Classification: Likely benign. Last evaluated: 2015-06-24. Review status: criteria provided, single submitter. Criteria: LMM Criteria. Collection method: clinical testing. Allele origin: germline. Observed: 1 variant allele.
Comment: p.Ile31959Thr in exon 207 of TTN: This variant is not expected to have clinical significance due to a lack of conservation across species, including mammals. Of note, >50 mammals have a threonine (Thr) at this position despite high nearby a mino acid conservation. It has also been identified in 4/66734 European chromoso mes by the Exome Aggregation Consortium (ExAC; d bSNP rs370618537).

Ambry Genetics
Classification: Uncertain significance for Cardiovascular phenotype. Last evaluated: 2013-02-18. Review status: criteria provided, single submitter. Criteria: Ambry Autosomal Dominant and X-Linked criteria (10/2015). Collection method: clinical testing. Allele origin: germline. Observed: 1 variant allele.
Comment: Ã¢â‚¬â€¹The p.I31959T variant (also known as c.95876T>C) is located in coding exon 306 of the TTN gene. This alteration results from a T to C substitution at nucleotide position 95876. The isoleucine at codon 31959 is replaced by threonine, an amino acid with similar properties. Based on data from the NHLBI Exome Sequencing Project (ESP), the C-allele has an overall frequency of approximately 0.01% (1/12,060), having been observed in 0% (0/3820) of African American alleles, and in 0.01% (1/8240) of European American alleles. Based on protein sequence alignment, this amino acid position is poorly conserved in available vertebrate species. In addition, this alteration is predicted to be benign by PolyPhen in silico analysis. Since supporting evidence is limited at this time, the clinical significance of p.I31959T remains unclear.

NM_001267550.2(TTN):c.103580T>C (p.Ile34527Thr)

Genes: TTN (titin; minus strand), TTN-AS1 (TTN antisense RNA 1; plus strand). Cytogenetic location: 2q31.2.
Variant type: single nucleotide variant.
Coding change: c.103580T>C on transcript NM_001267550.2 (MANE Select); coding-DNA position 103580, T replaced by C.
Protein change: p.Ile34527Thr; replaces isoleucine 34527 with threonine.
Molecular consequence: missense variant.
Genome position (GRCh38, 1-based): chr2:178,533,035, A>G on the plus strand (T>C on the coding strand, the complement: TTN is on the minus strand). VCF-style: chr2-178533035-A-G. GRCh37 (hg19) VCF-style: chr2-179397762-A-G.
Other names: c.95876T>C, p.Ile31959Thr (NM_133378.4); c.98657T>C, p.Ile32886Thr (NM_001256850.1); c.76385T>C, p.Ile25462Thr (NM_003319.4); c.76760T>C, p.Ile25587Thr (NM_133432.3); c.76961T>C, p.Ile25654Thr (NM_133437.4); short protein forms I31959T, I34527T, I25587T, I25654T, I32886T, I25462T.
Identifiers: ClinVar variation 228179 (VCV000228179.16), dbSNP rs370618537, ClinGen allele CA1985583.
Genomic context (GRCh38, chr2:178,533,035, plus strand): 5'-TTGCGTGGCTCTGGTACATCATAAGGCATCCGGAGTTTTCTCTCCTCCTTCTTTTCTTCT[A>G]TCTCAAGTCTGAATTCCCCTTTTACAGTCTTGGTGCTTACAGCCGGTTTATAAAGGACAG-3'
Protein context (NP_001254479.2, residues 34517-34537): KTVKGEFRLE[Ile34527Thr]EEKKEERKLR